The following is an entry in ClinVar:

NM_001128840.3(CACNA1D):c.1376_1379dup (p.Lys461fs)

Gene: CACNA1D (calcium voltage-gated channel subunit alpha1 D; plus strand). Cytogenetic location: 3p21.1.
Variant type: Duplication.
Coding change: c.1376_1379dup on transcript NM_001128840.3 (MANE Select); coding-DNA positions 1376 to 1379, 4 bases duplicated (AAGG; older notation c.1376_1379dupAAGG).
Protein change: p.Lys461fs; shifts the reading frame from lysine 461.
Molecular consequence: frameshift variant.
Genome position (GRCh38, 1-based): chr3:53,702,796-53,702,799, AAGG duplicated; duplicating any 4 consecutive bases within chr3:53,702,793-53,702,799 gives the same sequence; the c. name uses the placement nearest the transcript's 3' end. VCF-style (leftmost placement, unchanged base first): chr3-53702792-G-GAGGA. GRCh37 (hg19) VCF-style: chr3-53736819-G-GAGGA.
Other names: c.1376_1379dup, p.Lys461fs (NM_000720.4, NM_001128839.3); short protein forms K461fs.
Identifiers: ClinVar variation 3371777 (VCV003371777.1).
Genomic context (GRCh38, chr3:53,702,792, plus strand): 5'-TACTTGGATTGGATCACCCAAGCTGAGGACATCGATCCGGAGAATGAGGAAGAAGGAGGA[G>GAGGA]AGGAAGGCAAACGAAATAGTATGTAGCGCCTTTCCTGCCCCTGGCTAGACAGACCCAGTG-3'

ClinVar aggregate classification (germline): Uncertain significance (1 of 4 stars; one submission).

Submission:

GeneDx
Classification: Uncertain significance. Last evaluated: 2024-04-04. Review status: criteria provided, single submitter. Criteria: GeneDx Variant Classification Process June 2021. Collection method: clinical testing. Allele origin: germline. Affected: yes.
Comment: Frameshift variant predicted to result in protein truncation or nonsense mediated decay in a gene for which loss-of-function is not a known mechanism of disease; Not observed at significant frequency in large population cohorts (gnomAD); Has not been previously published as pathogenic or benign to our knowledge